The following is an entry in ClinVar:

NM_001148.6(ANK2):c.157G>A (p.Gly53Arg)

Gene: ANK2 (ankyrin 2; plus strand). Cytogenetic location: 4q25.
Variant type: single nucleotide variant.
Coding change: c.157G>A on transcript NM_001148.6 (MANE Select); coding-DNA position 157, G replaced by A.
Protein change: p.Gly53Arg; replaces glycine 53 with arginine.
Molecular consequence: missense variant.
Genome position (GRCh38, 1-based): chr4:113,174,488, G>A. VCF-style: chr4-113174488-G-A. GRCh37 (hg19) VCF-style: chr4-114095644-G-A.
Other names: c.157G>A, p.Gly53Arg (NM_001354228.2, NM_001354232.2, NM_001354235.2 and 9 more transcripts); c.202G>A, p.Gly68Arg (NM_001354230.2, NM_001354231.2, NM_001354237.2 and 5 more transcripts); c.94G>A, p.Gly32Arg (NM_001354239.2, NM_001127493.3, NM_001354243.2 and 33 more transcripts); c.139G>A, p.Gly47Arg (NM_001354261.2, NM_001386147.1, NM_001386160.1); c.145G>A, p.Gly49Arg (NM_001354269.3, NM_001386148.2, NM_001386186.2 and 1 more transcripts); c.208G>A, p.Gly70Arg (NM_001386174.1, NM_001386175.1); short protein forms G47R, G32R, G53R, G68R, G49R, G70R.
Identifiers: ClinVar variation 1958652 (VCV001958652.5), dbSNP rs1328490060, ClinGen allele CA357992995.
Genomic context (GRCh38, chr4:113,174,488, plus strand): 5'-GCAAGCTTCCTCCGTGCTGCCAGAGCAGGCAACCTGGACAAAGTTGTGGAATATCTGAAG[G>A]GGGGCATAGACATCAATACCTGCAATCAGGTAAGAACATGGCAGCTAGCTCTGTGTTGTG-3'
Protein context (NP_001139.3, residues 43-63): NLDKVVEYLK[Gly53Arg]GIDINTCNQN

ClinVar aggregate classification (germline): Uncertain significance (1 of 4 stars; one submission).

Conditions:
Long QT syndrome (LQTS). Identifiers: MedGen C0023976, MeSH D008133, MONDO:0002442. Disease mechanism: loss of function. Inheritance: Various modes of inheritance.

gnomAD v4.1: 1 of 1,612,826 alleles (0.000062%); highest among the groups gnomAD compares: South Asian, 0.0011%; no homozygotes.

Submission:

Labcorp Genetics (formerly Invitae), Labcorp
Classification: Uncertain significance for Long QT syndrome. Last evaluated: 2022-01-11. Review status: criteria provided, single submitter. Criteria: Invitae Variant Classification Sherloc (09022015). Collection method: clinical testing. Allele origin: germline.
Comment: This sequence change replaces glycine, which is neutral and non-polar, with arginine, which is basic and polar, at codon 53 of the ANK2 protein (p.Gly53Arg). This variant is not present in population databases (gnomAD no frequency). In summary, the available evidence is currently insufficient to determine the role of this variant in disease. Therefore, it has been classified as a Variant of Uncertain Significance. Algorithms developed to predict the effect of missense changes on protein structure and function are either unavailable or do not agree on the potential impact of this missense change (SIFT: "Tolerated"; PolyPhen-2: "Probably Damaging"; Align-GVGD: "Class C0"). This variant has not been reported in the literature in individuals affected with ANK2-related conditions.